The following is an entry in ClinVar:

ClinVar aggregate classification (germline): Conflicting classifications of pathogenicity. Review status: criteria provided, conflicting classifications (1 of 4 stars). 2 submissions from 2 submitters: Uncertain significance (1); Likely benign (1). Last evaluated 2026-02-25.

Conditions:
Hereditary cancer-predisposing syndrome. Also called: Neoplastic Syndromes, Hereditary; Hereditary neoplastic syndrome; Tumor predisposition; Hereditary Cancer Syndrome. Identifiers: Orphanet 140162, MedGen C0027672, MeSH D009386, MONDO:0015356.

Submissions (2):

Ambry Genetics
Classification: Likely benign for Hereditary cancer-predisposing syndrome. Last evaluated: 2026-02-25. Review status: criteria provided, single submitter. Criteria: Ambry Variant Classification Scheme 2023. Collection method: clinical testing. Allele origin: germline.

Color Diagnostics, LLC DBA Color Health
Classification: Uncertain significance for Hereditary cancer-predisposing syndrome. Last evaluated: 2023-12-05. Review status: criteria provided, single submitter. Criteria: ACMG Guidelines, 2015. Collection method: clinical testing. Allele origin: germline.
Comment: This missense variant replaces threonine with alanine at codon 489 of the BARD1 protein. Computational prediction suggests that this variant may not impact protein structure and function (internally defined REVEL score threshold <= 0.5, PMID: 27666373). To our knowledge, functional studies have not been reported for this variant. This variant has not been reported in individuals affected with BARD1-related disorders in the literature. This variant has not been identified in the general population by the Genome Aggregation Database (gnomAD). The available evidence is insufficient to determine the role of this variant in disease conclusively. Therefore, this variant is classified as a Variant of Uncertain Significance.

NM_000465.4(BARD1):c.1465A>G (p.Thr489Ala)

Gene: BARD1 (BRCA1 associated RING domain 1; minus strand). Cytogenetic location: 2q35.
Variant type: single nucleotide variant.
Coding change: c.1465A>G on transcript NM_000465.4 (MANE Select); coding-DNA position 1465, A replaced by G.
Protein change: p.Thr489Ala; replaces threonine 489 with alanine.
Molecular consequence: missense variant. On other transcripts: intron variant (3), non-coding transcript variant (3).
Genome position (GRCh38, 1-based): chr2:214,767,585, T>C on the plus strand (A>G on the coding strand, the complement: BARD1 is on the minus strand). VCF-style: chr2-214767585-T-C. GRCh37 (hg19) VCF-style: chr2-215632309-T-C.
Other names: c.364+24712A>G (NM_001282549.2); c.1408A>G, p.Thr470Ala (NM_001282543.2); c.159-15030A>G (NM_001282548.2); c.216-15030A>G (NM_001282545.2); c.1465A>G (NM_000465.2); short protein forms T489A, T470A.
Identifiers: ClinVar variation 628215 (VCV000628215.6), dbSNP rs1559409974, ClinGen allele CA350448488.